The following is an entry in ClinVar:

ClinVar aggregate classification (germline): Uncertain significance (1 of 4 stars; one submission).

Allele frequency attached by ClinVar (database versions not stated): TOPMed below 0.00001.

Submission:

Labcorp Genetics (formerly Invitae), Labcorp
Classification: Uncertain significance. Last evaluated: 2023-09-08. Review status: criteria provided, single submitter. Criteria: Invitae Variant Classification Sherloc (09022015). Collection method: clinical testing. Allele origin: germline.
Comment: In summary, the available evidence is currently insufficient to determine the role of this variant in disease. Therefore, it has been classified as a Variant of Uncertain Significance. An algorithm developed to predict the effect of missense changes on protein structure and function (PolyPhen-2) suggests that this variant is likely to be disruptive. This variant has not been reported in the literature in individuals affected with SUCO-related conditions. This variant is not present in population databases (gnomAD no frequency). This sequence change replaces serine, which is neutral and polar, with asparagine, which is neutral and polar, at codon 1166 of the SUCO protein (p.Ser1166Asn).

NM_014283.5(SUCO):c.3497G>A (p.Ser1166Asn)

Gene: SUCO (SUN domain containing ossification factor; plus strand). Cytogenetic location: 1q24.3.
Variant type: single nucleotide variant.
Coding change: c.3497G>A on transcript NM_014283.5 (MANE Select); coding-DNA position 3497, G replaced by A.
Protein change: p.Ser1166Asn; replaces serine 1166 with asparagine.
Molecular consequence: missense variant.
Genome position (GRCh38, 1-based): chr1:172,609,991, G>A. VCF-style: chr1-172609991-G-A. GRCh37 (hg19) VCF-style: chr1-172579131-G-A.
Other names: c.2384G>A, p.Ser795Asn (NM_001282750.2); c.1808G>A, p.Ser603Asn (NM_001282751.2); c.3950G>A, p.Ser1317Asn (NM_016227.4); short protein forms S603N, S1317N, S1166N, S795N.
Identifiers: ClinVar variation 2992809 (VCV002992809.3), dbSNP rs1658113157, ClinGen allele CA343752943.
Genomic context (GRCh38, chr1:172,609,991, plus strand): 5'-ATTTTTCTAATATGGGAGAAGTTTATCACTCTTCTTATAAAGGTCCTCCATCTGAAGGAA[G>A]CTCAGAAACTTCATCACAGTCAGAAGAGTCCTATTTTTGTGGCATTTCAGCTTGCACAAG-3'
Protein context (NP_055098.1, residues 1156-1176): SSYKGPPSEG[Ser1166Asn]SETSSQSEES